The following is an entry in ClinVar:

NM_000321.3(RB1):c.2460A>G (p.Pro820=)

Gene: RB1 (RB transcriptional corepressor 1; plus strand). Cytogenetic location: 13q14.2.
Variant type: single nucleotide variant.
Coding change: c.2460A>G on transcript NM_000321.3 (MANE Select); coding-DNA position 2460, A replaced by G.
Protein change: p.Pro820=; no amino-acid change (proline 820 retained).
Molecular consequence: synonymous variant.
Genome position (GRCh38, 1-based): chr13:48,465,339, A>G. VCF-style: chr13-48465339-A-G. GRCh37 (hg19) VCF-style: chr13-49039475-A-G.
Other names: c.2460A>G (NM_000321.2).
Identifiers: ClinVar variation 993810 (VCV000993810.10), dbSNP rs1555294628, ClinGen allele CA483740383.

ClinVar aggregate classification (germline): Benign/Likely benign. Review status: criteria provided, multiple submitters, no conflicts (2 of 4 stars). 3 submissions from 3 submitters: Benign (1); Likely benign (2). Last evaluated 2026-06-25.

Conditions:
Hereditary cancer-predisposing syndrome. Also called: Tumor predisposition; Hereditary Cancer Syndrome; Hereditary neoplastic syndrome; Neoplastic Syndromes, Hereditary. Identifiers: Orphanet 140162, MedGen C0027672, MeSH D009386, MONDO:0015356.
Retinoblastoma (RB1). Also called: RETINOBLASTOMA, SOMATIC. Identifiers: Orphanet 790, MedGen C0035335, MeSH D012175, MONDO:0008380, OMIM 180200, HP:0009919. Disease mechanism: loss of function. Inheritance: Both sporadic and heritable forms are tested..

Submissions (3):

Myriad Genetics, Inc.
Classification: Benign for Retinoblastoma. Last evaluated: 2026-06-25. Review status: criteria provided, single submitter. Criteria: Myriad Autosomal Dominant, Autosomal Recessive and X-Linked Classification Criteria (2023). Collection method: clinical testing. Allele origin: unknown.
Comment: This variant is considered benign. This variant is a silent/synonymous amino acid change and it is not expected to impact splicing.

Ambry Genetics
Classification: Likely benign for Hereditary cancer-predisposing syndrome. Last evaluated: 2024-09-22. Review status: criteria provided, single submitter. Criteria: Ambry Variant Classification Scheme 2023. Collection method: clinical testing. Allele origin: germline.

ARUP Laboratories, Molecular Genetics and Genomics, ARUP Laboratories
Classification: Likely benign. Last evaluated: 2019-11-14. Review status: criteria provided, single submitter. Criteria: ARUP Molecular Germline Variant Investigation Process. Collection method: clinical testing. Allele origin: germline.